The following is an entry in ClinVar:

ClinVar aggregate classification (germline): Likely pathogenic (1 of 4 stars; one submission).

Conditions:
Short-rib thoracic dysplasia 10 with or without polydactyly (SRTD10). Identifiers: Orphanet 474, MedGen C3810175, MONDO:0014284, OMIM 615630.

Submission:

MVZ Medizinische Genetik Mainz
Classification: Likely pathogenic for Short-rib thoracic dysplasia 10 with or without polydactyly. Last evaluated: 2025-10-07. Review status: criteria provided, single submitter. Criteria: UK Practice Guidelines For Variant Classification V4 01 2020. Collection method: clinical testing. Allele origin: germline. Inheritance: Autosomal dominant inheritance. Affected: yes. Observed: 1 variant allele.
Comment: ACMG Criteria: PVS1,PM2_SUP

NM_015662.3(IFT172):c.561del (p.Glu188fs)

Gene: IFT172 (intraflagellar transport 172; minus strand). Cytogenetic location: 2p23.3.
Variant type: Deletion.
Coding change: c.561del on transcript NM_015662.3 (MANE Select); coding-DNA position 561, one base deleted (A; older notation c.561delA).
Protein change: p.Glu188fs; shifts the reading frame from glutamic acid 188.
Molecular consequence: frameshift variant.
Genome position (GRCh38, 1-based): chr2:27,483,298, T deleted on the plus strand (A on the coding strand, the reverse complement: IFT172 is on the minus strand). VCF-style (leftmost placement, unchanged base first): chr2-27483297-CT-C. GRCh37 (hg19) VCF-style: chr2-27706164-CT-C.
Other names: c.561del, p.Glu188fs (NM_001410739.1); short protein forms E188fs.
Identifiers: ClinVar variation 4526482 (VCV004526482.1).